The following is an entry in ClinVar:

NM_005477.3(HCN4):c.*634C>T

Gene: HCN4 (hyperpolarization activated cyclic nucleotide gated potassium channel 4; minus strand). Cytogenetic location: 15q24.1.
Variant type: single nucleotide variant.
Coding change: c.*634C>T on transcript NM_005477.3 (MANE Select); 634 bases downstream of the stop codon, C replaced by T.
Molecular consequence: 3 prime UTR variant.
Genome position (GRCh38, 1-based): chr15:73,321,847, G>A on the plus strand (C>T on the coding strand, the complement: HCN4 is on the minus strand). VCF-style: chr15-73321847-G-A. GRCh37 (hg19) VCF-style: chr15-73614188-G-A.
Identifiers: ClinVar variation 884689 (VCV000884689.4), dbSNP rs138059941, ClinGen allele CA272662540.

ClinVar aggregate classification (germline): Benign (1 of 4 stars; one submission).

Conditions:
Sick sinus syndrome 2, autosomal dominant (SSS2). Also called: SICK SINUS SYNDROME 2; SICK SINUS SYNDROME 2 WITH OR WITHOUT CARDIAC NONCOMPACTION AND/OR ASCENDING AORTA DILATION; ATRIAL FIBRILLATION WITH BRADYARRHYTHMIA; SINUS BRADYCARDIA SYNDROME, FAMILIAL, AUTOSOMAL DOMINANT; SINUS NODE DISEASE, FAMILIAL, AUTOSOMAL DOMINANT. Identifiers: Orphanet 166282, MedGen C1834144, MONDO:0008102, OMIM 163800.

Allele frequency attached by ClinVar (database versions not stated): gnomAD exomes 0.00182; gnomAD 0.00309 and 0.00332; TOPMed 0.00351; 1000 Genomes Project 0.00379; 1000 Genomes Project 30x 0.00406.
gnomAD v4.1: 508 of 156,908 alleles (0.32%); highest among the groups gnomAD compares: South Asian, 1.4%; 1 homozygote.

Submission:

Illumina Laboratory Services, Illumina
Classification: Benign for Sick sinus syndrome 2, autosomal dominant. Last evaluated: 2018-01-13. Review status: criteria provided, single submitter. Criteria: ICSL Variant Classification Criteria 13 December 2019. Collection method: clinical testing. Allele origin: germline.
Comment: This variant was observed in the ICSL laboratory as part of a predisposition screen in an ostensibly healthy population. It had not been previously curated by ICSL or reported in the Human Gene Mutation Database (HGMD: prior to June 1st, 2018), and was therefore a candidate for classification through an automated scoring system. Utilizing variant allele frequency, disease prevalence and penetrance estimates, and inheritance mode, an automated score was calculated to assess if this variant is too frequent to cause the disease. Based on the score and internal cut-off values, a variant classified as benign is not then subjected to further curation. The score for this variant resulted in a classification of benign for this disease.